The following is an entry in ClinVar:

NM_001162501.2(TNRC6B):c.1010G>A (p.Ser337Asn)

Gene: TNRC6B (trinucleotide repeat containing adaptor 6B; plus strand). Cytogenetic location: 22q13.1.
Variant type: single nucleotide variant.
Coding change: c.1010G>A on transcript NM_001162501.2 (MANE Select); coding-DNA position 1010, G replaced by A.
Protein change: p.Ser337Asn; replaces serine 337 with asparagine.
Molecular consequence: missense variant. On other transcripts: intron variant (1).
Genome position (GRCh38, 1-based): chr22:40,265,240, G>A. VCF-style: chr22-40265240-G-A. GRCh37 (hg19) VCF-style: chr22-40661244-G-A.
Other names: c.1010G>A, p.Ser337Asn (NM_015088.3); c.565+3067G>A (NM_001024843.2); short protein forms S337N.
Identifiers: ClinVar variation 1706350 (VCV001706350.2), dbSNP rs2517985545, ClinGen allele CA411628504.

ClinVar aggregate classification (germline): Uncertain significance (1 of 4 stars; one submission).

Allele frequency attached by ClinVar (database versions not stated): gnomAD exomes 0.00001.
gnomAD v4.1: 7 of 1,614,026 alleles (0.00043%); highest among the groups gnomAD compares: Non-Finnish European, 0.00059%; no homozygotes.

Submission:

GeneDx
Classification: Uncertain significance. Last evaluated: 2022-03-16. Review status: criteria provided, single submitter. Criteria: GeneDx Variant Classification Process June 2021. Collection method: clinical testing. Allele origin: germline. Affected: yes.
Comment: Not observed at significant frequency in large population cohorts (gnomAD); In silico analysis supports that this missense variant does not alter protein structure/function; Has not been previously published as pathogenic or benign to our knowledge